The following is an entry in ClinVar:

NM_001743.6(CALM2):c.293A>G (p.Asn98Ser)

Gene: CALM2 (calmodulin 2; minus strand). Cytogenetic location: 2p21.
Variant type: single nucleotide variant.
Coding change: c.293A>G on transcript NM_001743.6 (MANE Select); coding-DNA position 293, A replaced by G.
Protein change: p.Asn98Ser; replaces asparagine 98 with serine.
Molecular consequence: missense variant.
Genome position (GRCh38, 1-based): chr2:47,161,851, T>C on the plus strand (A>G on the coding strand, the complement: CALM2 is on the minus strand). VCF-style: chr2-47161851-T-C. GRCh37 (hg19) VCF-style: chr2-47388990-T-C.
Other names: c.437A>G, p.Asn146Ser (NM_001305624.1); c.185A>G, p.Asn62Ser (NM_001305625.2, NM_001305626.1); short protein forms N98S, N62S, N146S.
Identifiers: ClinVar variation 96720 (VCV000096720.17), dbSNP rs398124647, ClinGen allele CA186025.

ClinVar aggregate classification (germline): Pathogenic. Review status: criteria provided, multiple submitters, no conflicts (2 of 4 stars). 5 submissions from 5 submitters: Pathogenic (3). 2 of the submissions do not count toward it. Last evaluated 2025-05-27.

Conditions:
Cardiovascular phenotype. Identifiers: MedGen CN230736.
Long QT syndrome 15 (LQT15). Identifiers: Orphanet 101016, Orphanet 768, MedGen C4015695, MONDO:0014550, OMIM 616249.
Long QT syndrome (LQTS). Identifiers: MedGen C0023976, MeSH D008133, MONDO:0002442. Disease mechanism: loss of function. Inheritance: Various modes of inheritance.
Long QT syndrome 1 (LQT1). Identifiers: Orphanet 101016, Orphanet 768, MedGen C4551647, MONDO:0100316, OMIM 192500, MONDO:0008646.

Submissions (5):

Ambry Genetics
Classification: Pathogenic for Cardiovascular phenotype. Last evaluated: 2025-05-27. Review status: criteria provided, single submitter. Criteria: Ambry Variant Classification Scheme 2023. Collection method: clinical testing. Allele origin: germline.
Comment: The p.N98S pathogenic mutation (also known as c.293A>G), located in coding exon 5 of the CALM2 gene, results from an A to G substitution at nucleotide position 293. The asparagine at codon 98 is replaced by serine, an amino acid with highly similar properties. This missense alteration is located in a region that has a low rate of benign missense variation (Lek M et al. Nature. 2016 Aug 18;536(7616):285-91; DECIPHER: Database of Chromosomal Imbalance and Phenotype in Humans using Ensembl Resources. Firth H.V. et al. 2009. Am.J.Hum.Genet. 84, 524-533 (DOI)). This variant was reported in individual(s) with features consistent with calmodulinopathy; in at least one individual, it was determined to be de novo (Makita N et al. Circ Cardiovasc Genet, 2014 Aug;7:466-74; Jim&eacute;nez-J&aacute;imez J et al. PLoS One, 2016 Apr;11:e0153851; Crotti L et al. Eur Heart J, 2019 Sep;40:2964-2975; Fujita S et al. Pediatr Int, 2019 Sep;61:852-858; Fukuyama M et al. Circ J, 2023 Nov;87:1828-1835). An animal model expressing this variant exhibited phenotype(s) consistent with CALM2-related disease (Tsai WC et al. Circulation, 2020 Nov;142:1937-1955). This amino acid position is highly conserved in available vertebrate species. In addition, this alteration is predicted to be tolerated by in silico analysis. This variant is considered to be rare based on population cohorts in the Genome Aggregation Database (gnomAD). Based on the supporting evidence, this variant is interpreted as a disease-causing mutation.

Dept of Medical Biology, Uskudar University
Classification: Pathogenic for Long QT syndrome. Last evaluated: 2024-01-08. Review status: criteria provided, single submitter. Criteria: Dept of Medical Biology Variant Classification. Collection method: research. Allele origin: de novo. Affected: yes. Observed: 1 variant allele.
Comment: Criteria: PS3_Moderate PS2_Strong, PM1, PM2, PP3

Labcorp Genetics (formerly Invitae), Labcorp
Classification: Pathogenic for Long QT syndrome 1. Last evaluated: 2020-07-19. Review status: criteria provided, single submitter. Criteria: Invitae Variant Classification Sherloc (09022015). Collection method: clinical testing. Allele origin: germline.
Comment: This variant has been observed in individual(s) with long QT syndrome or catecholaminergic polymorphic ventricular tachycardia (PMID: 27100291, 24917665, 27114410, 31283864). In at least one individual the variant was observed to be de novo. ClinVar contains an entry for this variant (Variation ID: 96720). This variant has been reported to affect CALM2 protein function (PMID: 28335032, 27165696). For these reasons, this variant has been classified as Pathogenic. This sequence change replaces asparagine with serine at codon 98 of the CALM2 protein (p.Asn98Ser). The asparagine residue is highly conserved and there is a small physicochemical difference between asparagine and serine. This variant is not present in population databases (ExAC no frequency).

OMIM
Classification: Pathogenic for LONG QT SYNDROME 15. Last evaluated: 2014-08-01. Review status: no assertion criteria provided. Collection method: literature only. Allele origin: germline. Not counted in ClinVar's aggregate classification.

George Lab Vanderbilt University
Classification: Likely pathogenic. Review status: no assertion criteria provided. Collection method: not provided. Allele origin: germline. Not counted in ClinVar's aggregate classification.
ClinVar note: Converted during submission from probable-pathogenic to Likely pathogenic.

Literature cited by the submitters: PubMed 24917665 (cited by 3 submitters); PubMed 27100291 (cited by Ambry Genetics and Labcorp Genetics (formerly Invitae), Labcorp); PubMed 31170290 (cited by Ambry Genetics); PubMed 31283864 (cited by Ambry Genetics and Labcorp Genetics (formerly Invitae), Labcorp); PubMed 32929985 (cited by Ambry Genetics); PubMed 37380439 (cited by Ambry Genetics); PubMed 27114410 (cited by Labcorp Genetics (formerly Invitae), Labcorp); PubMed 28335032 (cited by Labcorp Genetics (formerly Invitae), Labcorp); PubMed 27165696 (cited by Labcorp Genetics (formerly Invitae), Labcorp); PubMed 27516456 (cited by OMIM).